The following is an entry in ClinVar:

ClinVar aggregate classification (germline): Benign/Likely benign. Review status: criteria provided, multiple submitters, no conflicts (2 of 4 stars). 9 submissions from 9 submitters: Benign (2); Likely benign (7). Last evaluated 2026-09-01.

Conditions:
Connective tissue disorder. Also called: Connective tissue disease. Identifiers: MedGen C0009782, MONDO:0003900.
Familial thoracic aortic aneurysm and aortic dissection (TAAD). Also called: Thoracic aortic aneurysms and dissections. Identifiers: Orphanet 91387, MedGen C4707243, MONDO:0019625.
Aortic aneurysm, familial thoracic 4 (AAT4). Also called: AORTIC ANEURYSM/AORTIC DISSECTION AND PATENT DUCTUS ARTERIOSUS. Identifiers: MedGen C1851504, MONDO:0007568, OMIM 132900.

Submissions (9):

CeGaT Center for Human Genetics Tuebingen
Classification: Likely benign. Last evaluated: 2026-09-01. Review status: criteria provided, single submitter. Criteria: CeGaT Center For Human Genetics Tuebingen Variant Classification Criteria Version 2. Collection method: clinical testing. Allele origin: germline. Affected: yes. Observed: 2 variant alleles.
Comment: MYH11: BP4

Labcorp Genetics (formerly Invitae), Labcorp
Classification: Likely benign for Aortic aneurysm, familial thoracic 4. Last evaluated: 2026-01-26. Review status: criteria provided, single submitter. Criteria: Invitae Variant Classification Sherloc (09022015). Collection method: clinical testing. Allele origin: germline.

Blueprint Genetics
Classification: Likely benign. Last evaluated: 2024-11-25. Review status: criteria provided, single submitter. Criteria: ACMG Guidelines, 2015. Collection method: clinical testing. Allele origin: germline.

Women's Health and Genetics/Laboratory Corporation of America, LabCorp
Classification: Benign. Last evaluated: 2024-07-08. Review status: criteria provided, single submitter. Criteria: LabCorp Variant Classification Summary - May 2015. Collection method: clinical testing. Allele origin: germline.

ARUP Laboratories, Molecular Genetics and Genomics, ARUP Laboratories
Classification: Likely benign. Last evaluated: 2023-06-20. Review status: criteria provided, single submitter. Criteria: ARUP Molecular Germline Variant Investigation Process 2024. Collection method: clinical testing. Allele origin: germline.

CHEO Genetics Diagnostic Laboratory, Children's Hospital of Eastern Ontario
Classification: Likely benign for Familial thoracic aortic aneurysm and aortic dissection. Last evaluated: 2022-11-29. Review status: criteria provided, single submitter. Criteria: ACMG Guidelines, 2015. Collection method: clinical testing. Allele origin: germline.

Color Diagnostics, LLC DBA Color Health
Classification: Likely benign for Familial thoracic aortic aneurysm and aortic dissection. Last evaluated: 2018-09-29. Review status: criteria provided, single submitter. Criteria: ACMG Guidelines, 2015. Collection method: clinical testing. Allele origin: germline.

Center for Human Genetics, Inc
Classification: Likely benign for Connective tissue disorder. Last evaluated: 2018-06-01. Review status: criteria provided, single submitter. Criteria: ACMG Guidelines, 2015. Collection method: clinical testing. Allele origin: germline. Affected: yes.

GeneDx
Classification: Benign for Thoracic aortic aneurysms and aortic dissections. Last evaluated: 2013-01-11. Review status: criteria provided, single submitter. Criteria: GeneDx Variant Classification (06012015). Collection method: clinical testing. Allele origin: germline. Affected: yes.
Comment: The variant is found in TAAD panel(s).

NM_002474.3(MYH11):c.5787-4733CT[2]

Genes: MYH11 (myosin heavy chain 11; minus strand), NDE1 (nudE neurodevelopment protein 1; plus strand). Cytogenetic location: 16p13.11.
Variant type: Microsatellite.
Coding change: c.5787-4733CT[2] on transcript NM_002474.3 (MANE Select); two copies in a row of the 2-base unit CT starting at c.5787-4733; the reference has four copies in a row; two copies, 4 bases deleted.
Molecular consequence: intron variant.
Genome position (GRCh38, 1-based): chr16:15,708,849-15,708,852, AGAG deleted on the plus strand (CTCT on the coding strand, the reverse complement: MYH11 is on the minus strand); deleting any 4 consecutive bases within chr16:15,708,849-15,708,857 gives the same sequence; the position shown is the placement nearest the transcript's 3' end. VCF-style (leftmost placement, unchanged base first): chr16-15708848-CAGAG-C. GRCh37 (hg19) VCF-style: chr16-15802705-CAGAG-C.
Other names: c.947+11989AG[2] (NM_001143979.2, NM_017668.3); c.5787-15CT[2] (NM_022844.3); c.5808-4733CT[2] (NM_001040114.2); c.5808-15CT[2] (NM_001040113.2); c.5808-11_5808-8delCTCT (NM_001040113.2, NM_001040113.1); c.5787-11_5787-8delCTCT (NM_022844.2).
Identifiers: ClinVar variation 201040 (VCV000201040.18), dbSNP rs747642850, ClinGen allele CA306473.